The following is an entry in ClinVar:

NM_005245.4(FAT1):c.393G>A (p.Ala131=)

Gene: FAT1 (FAT atypical cadherin 1; minus strand). Cytogenetic location: 4q35.2.
Variant type: single nucleotide variant.
Coding change: c.393G>A on transcript NM_005245.4 (MANE Select); coding-DNA position 393, G replaced by A.
Protein change: p.Ala131=; no amino-acid change (alanine 131 retained).
Molecular consequence: synonymous variant.
Genome position (GRCh38, 1-based): chr4:186,709,435, C>T on the plus strand (G>A on the coding strand, the complement: FAT1 is on the minus strand). VCF-style: chr4-186709435-C-T. GRCh37 (hg19) VCF-style: chr4-187630589-C-T.
Identifiers: ClinVar variation 3054227 (VCV003054227.3), dbSNP rs146169601, ClinGen allele CA3167676.
Genomic context (GRCh38, chr4:186,709,435, plus strand): 5'-GGGTGAGAATAACGGTCTCAAGTCATTTGTATCCAGCACCTGCACCCTGACCTTTGTTCG[C>T]GCCTCCACATTAGTATTTTTTTCAAGTGCTTTCACTATCAATGTGTAGTGATCCTTCACT-3'
Protein context (NP_005236.2, residues 121-141): KALEKNTNVE[Ala131=]RTKVRVQVLD

ClinVar aggregate classification (germline): Likely benign. Review status: criteria provided, single submitter (1 of 4 stars). 2 submissions from 2 submitters: Likely benign (1). 1 of the submissions does not count toward it. Last evaluated 2024-09-24.

Conditions:
FAT1-related disorder. Also called: FAT1-related condition.

Allele frequency attached by ClinVar (database versions not stated): ESP Exome Variant Server 0.00008; gnomAD exomes 0.00011; gnomAD 0.00012; ExAC 0.00013; TOPMed 0.00014; 1000 Genomes Project 0.00040; 1000 Genomes Project 30x 0.00047.

Submissions (2):

Blueprint Genetics
Classification: Likely benign. Last evaluated: 2024-09-24. Review status: criteria provided, single submitter. Criteria: ACMG Guidelines, 2015. Collection method: clinical testing. Allele origin: germline.

PreventionGenetics, part of Exact Sciences
Classification: Likely benign for FAT1-related condition. Last evaluated: 2022-02-23. Review status: no assertion criteria provided. Collection method: clinical testing. Allele origin: germline. Not counted in ClinVar's aggregate classification.
Comment: This variant is classified as likely benign based on ACMG/AMP sequence variant interpretation guidelines (Richards et al. 2015 PMID: 25741868, with internal and published modifications).